The following is an entry in ClinVar:

NM_004525.3(LRP2):c.2639C>T (p.Ala880Val)

Gene: LRP2 (LDL receptor related protein 2; minus strand). Cytogenetic location: 2q31.1.
Variant type: single nucleotide variant.
Coding change: c.2639C>T on transcript NM_004525.3 (MANE Select); coding-DNA position 2639, C replaced by T.
Protein change: p.Ala880Val; replaces alanine 880 with valine.
Molecular consequence: missense variant.
Genome position (GRCh38, 1-based): chr2:169,257,124, G>A on the plus strand (C>T on the coding strand, the complement: LRP2 is on the minus strand). VCF-style: chr2-169257124-G-A. GRCh37 (hg19) VCF-style: chr2-170113634-G-A.
Other names: c.2639C>T (NM_004525.2); short protein forms A880V.
Identifiers: ClinVar variation 1413194 (VCV001413194.7), dbSNP rs761993567, ClinGen allele CA1955249.
Genomic context (GRCh38, chr2:169,257,124, plus strand): 5'-CTCATTATGTGTTCTGCAGTAAAAGAGAACTAAGTATCGGGGATGATGATTCCTACTTAC[G>A]CCCAATCGATGGCCAAGCCATTGGGCCATCCAAGAGTAGTGTTTATTACAGGCAAGAGGT-3'
Protein context (NP_004516.2, residues 870-890): GWPNGLAIDW[Ala880Val]ASRLYWVDAY

ClinVar aggregate classification (germline): Uncertain significance. Review status: criteria provided, multiple submitters, no conflicts (2 of 4 stars). 3 submissions from 3 submitters: Uncertain significance (3). Last evaluated 2025-02-11.

Conditions:
Donnai-Barrow syndrome. Also called: DBS/FOAR SYNDROME; FACIOOCULOACOUSTICORENAL SYNDROME. Identifiers: Orphanet 2143, MedGen C1857277, MONDO:0009104, OMIM 222448.

Allele frequency attached by ClinVar (database versions not stated): gnomAD exomes 0.00005; TOPMed 0.00006; ExAC 0.00007; gnomAD 0.00011.
gnomAD v4.1: 67 of 1,612,248 alleles (0.0042%); highest among the groups gnomAD compares: Admixed American, 0.0067%; no homozygotes.

Submissions (3):

GeneDx
Classification: Uncertain significance. Last evaluated: 2025-02-11. Review status: criteria provided, single submitter. Criteria: GeneDx Variant Classification Process June 2021. Collection method: clinical testing. Allele origin: germline. Affected: yes.
Comment: In silico analysis indicates that this missense variant does not alter protein structure/function; Has not been previously published as pathogenic or benign to our knowledge

Labcorp Genetics (formerly Invitae), Labcorp
Classification: Uncertain significance. Last evaluated: 2022-10-27. Review status: criteria provided, single submitter. Criteria: Invitae Variant Classification Sherloc (09022015). Collection method: clinical testing. Allele origin: germline.
Comment: This sequence change replaces alanine, which is neutral and non-polar, with valine, which is neutral and non-polar, at codon 880 of the LRP2 protein (p.Ala880Val). This variant is present in population databases (rs761993567, gnomAD 0.03%). This variant has not been reported in the literature in individuals affected with LRP2-related conditions. ClinVar contains an entry for this variant (Variation ID: 1413194). Algorithms developed to predict the effect of missense changes on protein structure and function (SIFT, PolyPhen-2, Align-GVGD) all suggest that this variant is likely to be tolerated. In summary, the available evidence is currently insufficient to determine the role of this variant in disease. Therefore, it has been classified as a Variant of Uncertain Significance.

Fulgent Genetics
Classification: Uncertain significance for Donnai-Barrow syndrome. Last evaluated: 2021-12-30. Review status: criteria provided, single submitter. Criteria: ACMG Guidelines, 2015. Collection method: clinical testing. Allele origin: unknown.